The following is an entry in ClinVar:

NM_021620.4(PRDM13):c.874C>T (p.Arg292Cys)

Gene: PRDM13 (PR/SET domain 13; plus strand). Cytogenetic location: 6q16.2.
Variant type: single nucleotide variant.
Coding change: c.874C>T on transcript NM_021620.4 (MANE Select); coding-DNA position 874, C replaced by T.
Protein change: p.Arg292Cys; replaces arginine 292 with cysteine.
Molecular consequence: missense variant.
Genome position (GRCh38, 1-based): chr6:99,613,509, C>T. VCF-style: chr6-99613509-C-T. GRCh37 (hg19) VCF-style: chr6-100061385-C-T.
Other names: short protein forms R292C.
Identifiers: ClinVar variation 4698882 (VCV004698882.1).

ClinVar aggregate classification (germline): Uncertain significance (1 of 4 stars; one submission).

Submission:

Labcorp Genetics (formerly Invitae), Labcorp
Classification: Uncertain significance. Last evaluated: 2025-12-17. Review status: criteria provided, single submitter. Criteria: Invitae Variant Classification Sherloc (09022015). Collection method: clinical testing. Allele origin: germline.
Comment: This sequence change replaces arginine, which is basic and polar, with cysteine, which is neutral and slightly polar, at codon 292 of the PRDM13 protein (p.Arg292Cys). This variant is not present in population databases (gnomAD no frequency). This variant has not been reported in the literature in individuals affected with PRDM13-related conditions. An algorithm developed to predict the effect of missense changes on protein structure and function (PolyPhen-2) suggests that this variant is likely to be disruptive. In summary, the available evidence is currently insufficient to determine the role of this variant in disease. Therefore, it has been classified as a Variant of Uncertain Significance.